The following is an entry in ClinVar:

NM_005515.4(MNX1):c.590C>T (p.Pro197Leu)

Gene: MNX1 (motor neuron and pancreas homeobox 1; minus strand). Cytogenetic location: 7q36.3.
Variant type: single nucleotide variant.
Coding change: c.590C>T on transcript NM_005515.4 (MANE Select); coding-DNA position 590, C replaced by T.
Protein change: p.Pro197Leu; replaces proline 197 with leucine.
Molecular consequence: missense variant.
Genome position (GRCh38, 1-based): chr7:157,009,761, G>A on the plus strand (C>T on the coding strand, the complement: MNX1 is on the minus strand). VCF-style: chr7-157009761-G-A. GRCh37 (hg19) VCF-style: chr7-156802455-G-A.
Other names: c.590C>T (NM_005515.3); short protein forms P197L.
Identifiers: ClinVar variation 2175618 (VCV002175618.4), dbSNP rs555514480, ClinGen allele CA4589269.

ClinVar aggregate classification (germline): Uncertain significance. Review status: criteria provided, multiple submitters, no conflicts (2 of 4 stars). 2 submissions from 2 submitters: Uncertain significance (2). Last evaluated 2025-08-08.

Conditions:
Inborn genetic diseases. Identifiers: MedGen C0950123, MeSH D030342.

Allele frequency attached by ClinVar (database versions not stated): ExAC 0.00001; gnomAD 0.00001; gnomAD exomes 0.00001; TOPMed 0.00002; 1000 Genomes Project 0.00020.
gnomAD v4.1: 5 of 1,599,048 alleles (0.00031%); highest among the groups gnomAD compares: Admixed American, 0.0085%; no homozygotes.

Submissions (2):

Ambry Genetics
Classification: Uncertain significance for Inborn genetic diseases. Last evaluated: 2025-08-08. Review status: criteria provided, single submitter. Criteria: Ambry Variant Classification Scheme 2023. Collection method: clinical testing. Allele origin: germline.

Labcorp Genetics (formerly Invitae), Labcorp
Classification: Uncertain significance. Last evaluated: 2024-12-17. Review status: criteria provided, single submitter. Criteria: Invitae Variant Classification Sherloc (09022015). Collection method: clinical testing. Allele origin: germline.
Comment: This sequence change replaces proline, which is neutral and non-polar, with leucine, which is neutral and non-polar, at codon 197 of the MNX1 protein (p.Pro197Leu). This variant is present in population databases (rs555514480, gnomAD 0.006%). This variant has not been reported in the literature in individuals affected with MNX1-related conditions. ClinVar contains an entry for this variant (Variation ID: 2175618). Invitae Evidence Modeling of protein sequence and biophysical properties (such as structural, functional, and spatial information, amino acid conservation, physicochemical variation, residue mobility, and thermodynamic stability) indicates that this missense variant is not expected to disrupt MNX1 protein function with a negative predictive value of 80%. In summary, the available evidence is currently insufficient to determine the role of this variant in disease. Therefore, it has been classified as a Variant of Uncertain Significance.